The following is an entry in ClinVar:

ClinVar aggregate classification (germline): Pathogenic (1 of 4 stars; one submission).

Conditions:
Fanconi anemia (FA). Also called: Fanconi's anemia. Identifiers: Orphanet 84, MedGen C0015625, MeSH D005199, MONDO:0019391.

Submission:

Labcorp Genetics (formerly Invitae), Labcorp
Classification: Pathogenic for Fanconi anemia. Last evaluated: 2021-09-15. Review status: criteria provided, single submitter. Criteria: Invitae Variant Classification Sherloc (09022015). Collection method: clinical testing. Allele origin: germline.
Comment: For these reasons, this variant has been classified as Pathogenic. This variant disrupts a region of the FANCA protein in which other variant(s) (p.Gln869Pro) have been determined to be pathogenic (PMID: 15643609, 17924555, 29098742; Invitae). This suggests that this is a clinically significant region of the protein, and that variants that disrupt it are likely to be disease-causing. A similar copy number variant has been observed in individual(s) with fanconi anemia (PMID: 21273304). This variant is a gross deletion of the genomic region encompassing exon(s) 21-29 of the FANCA gene. This variant would be expected to be in-frame, preserving the integrity of the reading frame.

Literature cited by the submitters: PubMed 15643609; PubMed 17924555; PubMed 29098742; PubMed 21273304.

NC_000016.9:g.(?_89828347)_(89842233_?)del

Gene: FANCA (FA complementation group A; minus strand). Cytogenetic location: 16q24.3.
Variant type: Deletion.
Identifiers: ClinVar variation 1457107 (VCV001457107.4).